The following is an entry in ClinVar:

ClinVar aggregate classification (germline): Conflicting classifications of pathogenicity. Review status: criteria provided, conflicting classifications (1 of 4 stars). 7 submissions from 7 submitters: Uncertain significance (4); Benign (1); Likely benign (1). 1 of the submissions does not count toward it. Last evaluated 2026-01-04.

Conditions:
Inborn genetic diseases. Identifiers: MedGen C0950123, MeSH D030342.
Niemann-Pick disease, type B. Also called: Chronic Visceral ASMD (Niemann-Pick Disease Type B; NPD-B). Identifiers: Orphanet 77293, MedGen C0268243, MONDO:0011871, OMIM 607616. Disease mechanism: loss of function.
Niemann-Pick disease, type A. Also called: SPHINGOMYELIN LIPIDOSIS; SPHINGOMYELINASE DEFICIENCY; Infantile Neurovisceral ASMD (Niemann-Pick Disease Type A; NPD-A). Identifiers: Orphanet 77292, MedGen C0268242, MONDO:0009756, OMIM 257200. Disease mechanism: loss of function.
SMPD1-related disorder. Also called: SMPD1-related condition.

Allele frequency attached by ClinVar (database versions not stated): gnomAD exomes 0.00012 and 0.00026; gnomAD 0.00013 and 0.00014; ExAC 0.00018; TOPMed 0.00018; ESP Exome Variant Server 0.00023.
gnomAD v4.1: 202 of 1,613,058 alleles (0.013%); highest among the groups gnomAD compares: Non-Finnish European, 0.0035%; 1 homozygote.

Submissions (7):

Labcorp Genetics (formerly Invitae), Labcorp
Classification: Benign for Niemann-Pick disease, type B; Niemann-Pick disease, type A. Last evaluated: 2026-01-04. Review status: criteria provided, single submitter. Criteria: Invitae Variant Classification Sherloc (09022015). Collection method: clinical testing. Allele origin: germline.

GeneDx
Classification: Uncertain significance. Last evaluated: 2025-04-28. Review status: criteria provided, single submitter. Criteria: GeneDx Variant Classification Process June 2021. Collection method: clinical testing. Allele origin: germline. Affected: yes.
Comment: In silico analysis indicates that this missense variant does not alter protein structure/function; Has not been previously published as pathogenic or benign to our knowledge

Fulgent Genetics
Classification: Uncertain significance for Niemann-Pick disease, type A; Niemann-Pick disease, type B. Last evaluated: 2022-03-22. Review status: criteria provided, single submitter. Criteria: ACMG Guidelines, 2015. Collection method: clinical testing. Allele origin: unknown.

Ambry Genetics
Classification: Likely benign for Inborn genetic diseases. Last evaluated: 2021-12-19. Review status: criteria provided, single submitter. Criteria: Ambry Variant Classification Scheme 2023. Collection method: clinical testing. Allele origin: germline.

Eurofins Ntd Llc (ga)
Classification: Uncertain significance. Last evaluated: 2017-11-01. Review status: criteria provided, single submitter. Criteria: EGL Classification Definitions 2015. Collection method: clinical testing. Allele origin: germline. Observed: 1 variant allele, 1 heterozygote.

Breakthrough Genomics
Classification: Uncertain significance. Review status: criteria provided, single submitter. Criteria: ACMG Guidelines, 2015. Collection method: not provided. Allele origin: germline. Inheritance: Autosomal recessive inheritance. Affected: yes.

PreventionGenetics, part of Exact Sciences
Classification: Likely benign for SMPD1-related condition. Last evaluated: 2022-01-17. Review status: no assertion criteria provided. Collection method: clinical testing. Allele origin: germline. Not counted in ClinVar's aggregate classification.
Comment: This variant is classified as likely benign based on ACMG/AMP sequence variant interpretation guidelines (Richards et al. 2015 PMID: 25741868, with internal and published modifications).

NM_000543.5(SMPD1):c.56A>G (p.Gln19Arg)

Genes: SMPD1 (sphingomyelin phosphodiesterase 1; plus strand), LOC130005193 (ATAC-STARR-seq lymphoblastoid silent region 3099; plus strand). Cytogenetic location: 11p15.4.
Variant type: single nucleotide variant.
Coding change: c.56A>G on transcript NM_000543.5 (MANE Select); coding-DNA position 56, A replaced by G.
Protein change: p.Gln19Arg; replaces glutamine 19 with arginine.
Molecular consequence: missense variant. On other transcripts: 5 prime UTR variant (1), non-coding transcript variant (2).
Genome position (GRCh38, 1-based): chr11:6,390,654, A>G. VCF-style: chr11-6390654-A-G. GRCh37 (hg19) VCF-style: chr11-6411884-A-G.
Other names: c.56A>G, p.Gln19Arg (NM_001007593.3, NM_001318087.2, NM_001365135.2); c.-906A>G (NM_001318088.2); short protein forms Q19R.
Identifiers: ClinVar variation 594762 (VCV000594762.18), dbSNP rs144465428, ClinGen allele CA5852460.